The following is an entry in ClinVar:

NM_004655.4(AXIN2):c.2426G>A (p.Ser809Asn)

Gene: AXIN2 (axin 2; minus strand). Cytogenetic location: 17q24.1.
Variant type: single nucleotide variant.
Coding change: c.2426G>A on transcript NM_004655.4 (MANE Select); coding-DNA position 2426, G replaced by A.
Protein change: p.Ser809Asn; replaces serine 809 with asparagine.
Molecular consequence: missense variant.
Genome position (GRCh38, 1-based): chr17:65,530,082, C>T on the plus strand (G>A on the coding strand, the complement: AXIN2 is on the minus strand). VCF-style: chr17-65530082-C-T. GRCh37 (hg19) VCF-style: chr17-63526200-C-T.
Other names: c.2231G>A, p.Ser744Asn (NM_001363813.1); short protein forms S809N, S744N.
Identifiers: ClinVar variation 5032515 (VCV005032515.1).
Genomic context (GRCh38, chr17:65,530,082, plus strand): 5'-GGGAGCACCGTCTCATCCTCCCAGATCTCCTCAAACACCGCTCCACAGGCAAACTCATCG[C>T]TTGCTTTTTTGAAGTAATACCTTAAAAGGAAAACCAAAAAAGCTTCTTGGTAAACTGCAT-3'
Protein context (NP_004646.3, residues 799-819): GNYRYYFKKA[Ser809Asn]DEFACGAVFE

ClinVar aggregate classification (germline): Uncertain significance (1 of 4 stars; one submission).

Conditions:
Hereditary cancer-predisposing syndrome. Also called: Neoplastic Syndromes, Hereditary; Tumor predisposition; Hereditary neoplastic syndrome; Hereditary Cancer Syndrome. Identifiers: Orphanet 140162, MedGen C0027672, MeSH D009386, MONDO:0015356.

Submission:

Ambry Genetics
Classification: Uncertain significance for Hereditary cancer-predisposing syndrome. Last evaluated: 2026-07-07. Review status: criteria provided, single submitter. Criteria: Ambry Variant Classification Scheme 2023. Collection method: clinical testing. Allele origin: germline.
Comment: The p.S809N variant (also known as c.2426G>A), located in coding exon 10 of the AXIN2 gene, results from a G to A substitution at nucleotide position 2426. The serine at codon 809 is replaced by asparagine, an amino acid with highly similar properties. This amino acid position is conserved. In addition, this alteration is predicted to be tolerated by in silico analysis. Based on the available evidence, the clinical significance of this variant remains unclear.